The following is an entry in ClinVar:

ClinVar aggregate classification (germline): Uncertain significance (1 of 4 stars; one submission).

Conditions:
Spastic paraplegia. Identifiers: MedGen C0037772, HP:0001258.

Submission:

Labcorp Genetics (formerly Invitae), Labcorp
Classification: Uncertain significance for Spastic paraplegia. Last evaluated: 2020-02-12. Review status: criteria provided, single submitter. Criteria: Invitae Variant Classification Sherloc (09022015). Collection method: clinical testing. Allele origin: germline.
Comment: This sequence change replaces phenylalanine with serine at codon 53 of the KIF5A protein (p.Phe53Ser). The phenylalanine residue is highly conserved and there is a large physicochemical difference between phenylalanine and serine. This variant is not present in population databases (ExAC no frequency). This variant has not been reported in the literature in individuals with KIF5A-related disease. Algorithms developed to predict the effect of missense changes on protein structure and function (SIFT, PolyPhen-2, Align-GVGD) all suggest that this variant is likely to be disruptive, but these predictions have not been confirmed by published functional studies and their clinical significance is uncertain. In summary, the available evidence is currently insufficient to determine the role of this variant in disease. Therefore, it has been classified as a Variant of Uncertain Significance.

NM_004984.4(KIF5A):c.158T>C (p.Phe53Ser)

Gene: KIF5A (kinesin family member 5A; plus strand). Cytogenetic location: 12q13.3.
Variant type: single nucleotide variant.
Coding change: c.158T>C on transcript NM_004984.4 (MANE Select); coding-DNA position 158, T replaced by C.
Protein change: p.Phe53Ser; replaces phenylalanine 53 with serine.
Molecular consequence: missense variant. On other transcripts: intron variant (1).
Genome position (GRCh38, 1-based): chr12:57,563,467, T>C. VCF-style: chr12-57563467-T-C. GRCh37 (hg19) VCF-style: chr12-57957250-T-C.
Other names: c.130-993T>C (NM_001354705.2); short protein forms F53S.
Identifiers: ClinVar variation 527978 (VCV000527978.8), dbSNP rs1555177348, ClinGen allele CA385492401.